The following is an entry in ClinVar:

ClinVar aggregate classification (germline): Uncertain significance (1 of 4 stars; one submission).

Conditions:
Norman-Roberts syndrome (LIS2). Also called: Lissencephaly 2 (Norman-Roberts type). Identifiers: Orphanet 89844, MedGen C0796089, MONDO:0009760, OMIM 257320.
Familial temporal lobe epilepsy 7. Identifiers: Orphanet 101046, MedGen C4225327, MONDO:0014639, OMIM 616436.

Submission:

Labcorp Genetics (formerly Invitae), Labcorp
Classification: Uncertain significance for Familial temporal lobe epilepsy 7; Norman-Roberts syndrome. Last evaluated: 2019-12-27. Review status: criteria provided, single submitter. Criteria: Invitae Variant Classification Sherloc (09022015). Collection method: clinical testing. Allele origin: germline.
Comment: This sequence change replaces serine with threonine at codon 1042 of the RELN protein (p.Ser1042Thr). The serine residue is moderately conserved and there is a small physicochemical difference between serine and threonine. This variant is not present in population databases (ExAC no frequency). This variant has not been reported in the literature in individuals with RELN-related conditions. Algorithms developed to predict the effect of missense changes on protein structure and function (SIFT, PolyPhen-2, Align-GVGD) all suggest that this variant is likely to be tolerated, but these predictions have not been confirmed by published functional studies and their clinical significance is uncertain. In summary, the available evidence is currently insufficient to determine the role of this variant in disease. Therefore, it has been classified as a Variant of Uncertain Significance.

NM_005045.4(RELN):c.3124T>A (p.Ser1042Thr)

Gene: RELN (reelin; minus strand). Cytogenetic location: 7q22.1.
Variant type: single nucleotide variant.
Coding change: c.3124T>A on transcript NM_005045.4 (MANE Select); coding-DNA position 3124, T replaced by A.
Protein change: p.Ser1042Thr; replaces serine 1042 with threonine.
Molecular consequence: missense variant.
Genome position (GRCh38, 1-based): chr7:103,604,368, A>T on the plus strand (T>A on the coding strand, the complement: RELN is on the minus strand). VCF-style: chr7-103604368-A-T. GRCh37 (hg19) VCF-style: chr7-103244815-A-T.
Other names: c.3124T>A, p.Ser1042Thr (NM_173054.3); short protein forms S1042T.
Identifiers: ClinVar variation 839544 (VCV000839544.10), dbSNP rs1831762160, ClinGen allele CA368763673.